The following is an entry in ClinVar:

ClinVar aggregate classification (germline): Uncertain significance (1 of 4 stars; one submission).

gnomAD v4.1: 2 of 1,613,964 alleles (0.00012%); highest among the groups gnomAD compares: East Asian, 0.0022%; no homozygotes.

Submission:

GeneDx
Classification: Uncertain significance. Last evaluated: 2024-01-11. Review status: criteria provided, single submitter. Criteria: GeneDx Variant Classification Process June 2021. Collection method: clinical testing. Allele origin: germline. Affected: yes.
Comment: Not observed at significant frequency in large population cohorts (gnomAD); In silico analysis supports that this missense variant has a deleterious effect on protein structure/function; Has not been previously published as pathogenic or benign to our knowledge

NM_000142.5(FGFR3):c.1031C>A (p.Ser344Tyr)

Gene: FGFR3 (fibroblast growth factor receptor 3; plus strand). Cytogenetic location: 4p16.3.
Variant type: single nucleotide variant.
Coding change: c.1031C>A on transcript NM_000142.5 (MANE Select); coding-DNA position 1031, C replaced by A.
Protein change: p.Ser344Tyr; replaces serine 344 with tyrosine.
Molecular consequence: missense variant. On other transcripts: non-coding transcript variant (1), intron variant (2).
Genome position (GRCh38, 1-based): chr4:1,803,792, C>A. VCF-style: chr4-1803792-C-A. GRCh37 (hg19) VCF-style: chr4-1805519-C-A.
Other names: c.1031C>A, p.Ser344Tyr (NM_001354809.2, NM_001354810.2); c.1082-538C>A (NM_001163213.2); c.931-1032C>A (NM_022965.4); short protein forms S344Y.
Identifiers: ClinVar variation 3367866 (VCV003367866.1).